The following is an entry in ClinVar:

ClinVar aggregate classification (germline): Likely pathogenic (1 of 4 stars; one submission).

Conditions:
Gaucher disease. Also called: Acute cerebral Gaucher disease; Cerebroside lipidosis syndrome; Gaucher splenomegaly; Sphingolipidosis 1; Glucocerebrosidosis; Glucosylceramidase deficiency. Identifiers: Orphanet 355, MedGen C0017205, MONDO:0018150.

Submission:

Natera, Inc.
Classification: Likely pathogenic for Gaucher disease. Last evaluated: 2025-04-07. Review status: criteria provided, single submitter. Criteria: Natera Variant Classification Schema (03/2026). Collection method: clinical testing. Allele origin: germline.
Comment: The c.1389-1G>A variant in GBA1 is a canonical splice acceptor site variant predicted to affect pre-mRNA splicing, which may result in an abnormal transcript and altered protein product. This variant is expected to result in nonsense mediated decay, truncation, or a dysfunctional protein product. This variant is rare in the general population with a frequency below the threshold expected for the associated phenotype(s). This variant has been observed in one or more individuals affected with the associated recessive disease, as either homozygous or compound heterozygous with a second variant (PMID: 37240189). Given the available evidence, this variant is classified as Likely Pathogenic.

Literature cited by the submitters: PubMed 37240189.

NM_000157.4(GBA1):c.1389-1G>A

Genes: GBA1 (glucosylceramidase beta 1; minus strand), LOC106627981 (GBA recombination region; plus strand). Cytogenetic location: 1q22.
Variant type: single nucleotide variant.
Coding change: c.1389-1G>A on transcript NM_000157.4 (MANE Select); the canonical splice acceptor site of the intron before coding-DNA position 1389, G replaced by A.
Molecular consequence: splice acceptor variant.
Genome position (GRCh38, 1-based): chr1:155,235,312, C>T on the plus strand (G>A on the coding strand, the complement: GBA1 is on the minus strand). VCF-style: chr1-155235312-C-T. GRCh37 (hg19) VCF-style: chr1-155205103-C-T.
Other names: c.1128-1G>A (NM_001171811.2); c.1389-1G>A (NM_001005742.3, NM_001005741.3); c.1242-1G>A (NM_001171812.2).
Identifiers: ClinVar variation 4817721 (VCV004817721.1).